The following is an entry in ClinVar:

ClinVar aggregate classification (germline): Conflicting classifications of pathogenicity. Review status: criteria provided, conflicting classifications (1 of 4 stars). 2 submissions from 2 submitters: Uncertain significance (1); Likely benign (1). Last evaluated 2022-02-03.

Conditions:
Mitochondrial complex V (ATP synthase) deficiency, nuclear type 2. Also called: ENCEPHALOCARDIOMYOPATHY, MITOCHONDRIAL, NEONATAL, DUE TO ATP SYNTHASE DEFICIENCY; MITOCHONDRIAL COMPLEX V (ATP SYNTHASE) DEFICIENCY, TMEM70 TYPE; Nuclear-Encoded ATPase Deficiency, TMEM70-Related. Identifiers: Orphanet 1194, MedGen C3279699, MONDO:0013546, OMIM 614052.

Allele frequency attached by ClinVar (database versions not stated): TOPMed 0.00002; gnomAD exomes 0.00001 and 0.00003; gnomAD 0.00001; ExAC 0.00005.
gnomAD v4.1: 11 of 1,589,122 alleles (0.00069%); highest among the groups gnomAD compares: East Asian, 0.02%; no homozygotes.

Submissions (2):

Labcorp Genetics (formerly Invitae), Labcorp
Classification: Uncertain significance for Mitochondrial complex V (ATP synthase) deficiency, nuclear type 2. Last evaluated: 2022-02-03. Review status: criteria provided, single submitter. Criteria: Invitae Variant Classification Sherloc (09022015). Collection method: clinical testing. Allele origin: germline.
Comment: This sequence change replaces alanine, which is neutral and non-polar, with glycine, which is neutral and non-polar, at codon 39 of the TMEM70 protein (p.Ala39Gly). In summary, the available evidence is currently insufficient to determine the role of this variant in disease. Therefore, it has been classified as a Variant of Uncertain Significance. Algorithms developed to predict the effect of missense changes on protein structure and function output the following: SIFT: "Tolerated"; PolyPhen-2: "Possibly Damaging"; Align-GVGD: "Class C0". The glycine amino acid residue is found in multiple mammalian species, which suggests that this missense change does not adversely affect protein function. ClinVar contains an entry for this variant (Variation ID: 203984). This variant has not been reported in the literature in individuals affected with TMEM70-related conditions. This variant is present in population databases (rs770816150, gnomAD 0.04%).

GeneDx
Classification: Likely benign. Last evaluated: 2013-03-04. Review status: criteria provided, single submitter. Criteria: GeneDx Variant Classification (06012015). Collection method: clinical testing. Allele origin: germline. Affected: yes.
Comment: This variant is considered likely benign or benign based on one or more of the following criteria: it is a conservative change, it occurs at a poorly conserved position in the protein, it is predicted to be benign by multiple in silico algorithms, and/or has population frequency not consistent with disease.

NM_017866.6(TMEM70):c.116C>G (p.Ala39Gly)

Gene: TMEM70 (transmembrane protein 70; plus strand). Cytogenetic location: 8q21.11.
Variant type: single nucleotide variant.
Coding change: c.116C>G on transcript NM_017866.6 (MANE Select); coding-DNA position 116, C replaced by G.
Protein change: p.Ala39Gly; replaces alanine 39 with glycine.
Molecular consequence: missense variant. On other transcripts: non-coding transcript variant (1).
Genome position (GRCh38, 1-based): chr8:73,976,397, C>G. VCF-style: chr8-73976397-C-G. GRCh37 (hg19) VCF-style: chr8-74888632-C-G.
Other names: p.A39G:GCG>GGG; c.116C>G, p.Ala39Gly (NM_001040613.3); short protein forms A39G.
Identifiers: ClinVar variation 203984 (VCV000203984.7), dbSNP rs770816150, ClinGen allele CA313077.
Genomic context (GRCh38, chr8:73,976,397, plus strand): 5'-GGAGGACTGCATTGTGTGCGGCCGCCGCGCTCCGAGGTCCCCGGGCCTCTGTCTCCCGGG[C>G]GTCCTCCAGCAGCGGGCCTTCGGGGCCGGTAGCCGGCTGGAGTACGGGGCCTTCGGGAGC-3'
Protein context (NP_060336.3, residues 29-49): LRGPRASVSR[Ala39Gly]SSSSGPSGPV